The following is an entry in ClinVar:

ClinVar aggregate classification (germline): Likely pathogenic (1 of 4 stars; one submission).

Conditions:
IFT74-related disorder. Also called: IFT74-related condition; IFT74-Related Disorders.

Submission:

PreventionGenetics, part of Exact Sciences
Classification: Likely pathogenic for IFT74-related condition. Last evaluated: 2024-11-09. Review status: criteria provided, single submitter. Criteria: ACMG Guidelines, 2015. Collection method: clinical testing. Allele origin: germline.
Comment: The IFT74 c.588-1G>A variant is predicted to disrupt the AG splice acceptor site and interfere with normal splicing. To our knowledge, this variant has not been reported in the literature or in a large population database (gnomAD), indicating this variant is rare. Variants that disrupt the consensus splice acceptor site in IFT74 are expected to be pathogenic. This variant is interpreted as likely pathogenic.

NM_025103.4(IFT74):c.588-1G>A

Gene: IFT74 (intraflagellar transport 74; plus strand). Cytogenetic location: 9p21.2.
Variant type: single nucleotide variant.
Coding change: c.588-1G>A on transcript NM_025103.4 (MANE Select); the canonical splice acceptor site of the intron before coding-DNA position 588, G replaced by A.
Molecular consequence: splice acceptor variant.
Genome position (GRCh38, 1-based): chr9:27,009,019, G>A. VCF-style: chr9-27009019-G-A. GRCh37 (hg19) VCF-style: chr9-27009017-G-A.
Other names: c.588-1G>A (NM_001099223.3, NM_001099222.3, NM_001349928.2 and 1 more transcripts).
Identifiers: ClinVar variation 4998723 (VCV004998723.1).